The following is an entry in ClinVar:

NM_004409.5(DMPK):c.*224CTG[56]

Genes: DM1-AS (DM1 locus antisense RNA; plus strand), DMPK (DM1 protein kinase; minus strand), LOC107075317 (origin of replication in DMPK trinucleotide repeat region; plus strand), LOC109461477 (dystrophia myotonica protein kinase repeat instability region; plus strand). Cytogenetic location: 19q13.32.
Variant type: Microsatellite.
Coding change: c.*224CTG[56] on transcript NM_004409.5 (MANE Select); 56 copies in a row of the 3-base unit CTG starting at c.*224.
Molecular consequence: 3 prime UTR variant.
Genome position: GRCh38, VCF-style position (the base before the change): chr19:45,770,204. GRCh37 (hg19), VCF-style position (the base before the change): chr19:46,273,462.
Other names: DM1 CTG repeat expansion; c.*224CTG[56] (NM_001081560.3, NM_001288764.2, NM_001424165.1 and 1 more transcripts); c.*217CTG[56] (NM_001081562.3, NM_001288765.2, NM_001424162.1 and 2 more transcripts); c.*222_*224TGC[56] (NM_001081563.3); c.*369CTG[56] (NM_001288766.2, NM_001424164.1, NM_001424168.1).
Identifiers: ClinVar variation 188004 (VCV000188004.3), ClinGen allele CA915951831.

ClinVar aggregate classification (germline): Pathogenic. Review status: criteria provided, single submitter (1 of 4 stars). 2 submissions from 2 submitters: Pathogenic (1). 1 of the submissions does not count toward it. Last evaluated 2019-11-26.

Conditions:
Steinert myotonic dystrophy syndrome (DM1). Also called: STEINERT DISEASE; Myotonic dystrophy type 1; Dystrophia myotonica type 1; Steinert myotonic dystrophy; Steinert's disease. Identifiers: Orphanet 273, MedGen C3250443, MONDO:0008056, OMIM 160900.

Submissions (2):

Neuromuscular Research, Maastricht University Medical Centre
Classification: Pathogenic for Steinert myotonic dystrophy syndrome. Last evaluated: 2019-11-26. Review status: criteria provided, single submitter. Criteria: Best practice guidelines on molecular diagnosis DM1 and DM2, Kamsteeg et al. 2012. Collection method: clinical testing. Allele origin: inherited. Affected: yes.

Institute of Molecular, Cell and Systems Biology, University of Glasgow
Classification: Pathogenic for Steinert myotonic dystrophy syndrome. Review status: no assertion criteria provided. Criteria: research. Collection method: research. Allele origin: germline. Inheritance: Autosomal dominant inheritance. Affected: no. Observed: 2 heterozygotes. Not counted in ClinVar's aggregate classification.
Comment: DMPK CTG repeat expansions greater than approximately 45-50 repeats are assumed to be pathogenic

This record is based on data published in PubMed 25052313, which reports only ClinVar accessions SCV000120188 and SCV000120189. The complete data set includes SCV000207445 - SCV000207579.

Literature cited by the submitters: PubMed 32203199 (cited by Neuromuscular Research, Maastricht University Medical Centre); PubMed 1346923 (cited by Institute of Molecular, Cell and Systems Biology, University of Glasgow); PubMed 1546326 (cited by Institute of Molecular, Cell and Systems Biology, University of Glasgow); PubMed 25052313 (cited by Institute of Molecular, Cell and Systems Biology, University of Glasgow).